The following is an entry in ClinVar:

NM_004984.4(KIF5A):c.2083G>A (p.Val695Met)

Gene: KIF5A (kinesin family member 5A; plus strand). Cytogenetic location: 12q13.3.
Variant type: single nucleotide variant.
Coding change: c.2083G>A on transcript NM_004984.4 (MANE Select); coding-DNA position 2083, G replaced by A.
Protein change: p.Val695Met; replaces valine 695 with methionine.
Molecular consequence: missense variant.
Genome position (GRCh38, 1-based): chr12:57,576,146, G>A. VCF-style: chr12-57576146-G-A. GRCh37 (hg19) VCF-style: chr12-57969929-G-A.
Other names: c.1816G>A, p.Val606Met (NM_001354705.2); short protein forms V606M, V695M.
Identifiers: ClinVar variation 3020996 (VCV003020996.3), dbSNP rs2540509329, ClinGen allele CA385511097.
Genomic context (GRCh38, chr12:57,576,146, plus strand): 5'-GAAACTGTGCATGAAGTGGCCCTGAAGGACAAGGAGCCTGACACTCAGGATGCAGATGAA[G>A]TGAAGGTGAGTAAGGAAGGTGTCAGGGACAATTGGGGCCTGGTGTGGTGAAAGCTGTGCT-3'
Protein context (NP_004975.2, residues 685-705): KEPDTQDADE[Val695Met]KKALELQMES

ClinVar aggregate classification (germline): Uncertain significance (1 of 4 stars; one submission).

Conditions:
Spastic paraplegia. Identifiers: MedGen C0037772, HP:0001258.

Allele frequency attached by ClinVar (database versions not stated): gnomAD exomes below 0.00001.
gnomAD v4.1: 1 of 1,614,174 alleles (0.000062%); highest among the groups gnomAD compares: Non-Finnish European, 0.000085%; no homozygotes.

Submission:

Labcorp Genetics (formerly Invitae), Labcorp
Classification: Uncertain significance for Spastic paraplegia. Last evaluated: 2023-03-26. Review status: criteria provided, single submitter. Criteria: Invitae Variant Classification Sherloc (09022015). Collection method: clinical testing. Allele origin: germline.
Comment: In summary, the available evidence is currently insufficient to determine the role of this variant in disease. Therefore, it has been classified as a Variant of Uncertain Significance. Advanced modeling of protein sequence and biophysical properties (such as structural, functional, and spatial information, amino acid conservation, physicochemical variation, residue mobility, and thermodynamic stability) performed at Invitae indicates that this missense variant is not expected to disrupt KIF5A protein function. This variant has not been reported in the literature in individuals affected with KIF5A-related conditions. This variant is not present in population databases (gnomAD no frequency). This sequence change replaces valine, which is neutral and non-polar, with methionine, which is neutral and non-polar, at codon 695 of the KIF5A protein (p.Val695Met).